The following is an entry in ClinVar:

NM_000054.7(AVPR2):c.238C>T (p.His80Tyr)

Gene: AVPR2 (arginine vasopressin receptor 2; plus strand). Cytogenetic location: Xq28.
Variant type: single nucleotide variant.
Coding change: c.238C>T on transcript NM_000054.7 (MANE Select); coding-DNA position 238, C replaced by T.
Protein change: p.His80Tyr; replaces histidine 80 with tyrosine.
Molecular consequence: missense variant.
Genome position (GRCh38, 1-based): chrX:153,905,744, C>T. VCF-style: chrX-153905744-C-T. GRCh37 (hg19) VCF-style: chrX-153171198-C-T.
Other names: c.238C>T, p.His80Tyr (NM_001146151.3); short protein forms H80Y.
Identifiers: ClinVar variation 2152356 (VCV002152356.4), dbSNP rs2521152705, ClinGen allele CA415104472.

ClinVar aggregate classification (germline): Pathogenic (1 of 4 stars; one submission).

Submission:

Labcorp Genetics (formerly Invitae), Labcorp
Classification: Pathogenic. Last evaluated: 2025-08-05. Review status: criteria provided, single submitter. Criteria: Invitae Variant Classification Sherloc (09022015). Collection method: clinical testing. Allele origin: germline.
Comment: This sequence change replaces histidine, which is basic and polar, with tyrosine, which is neutral and polar, at codon 80 of the AVPR2 protein (p.His80Tyr). This variant is not present in population databases (gnomAD no frequency). This missense change has been observed in individual(s) with congenital nephrogenic diabetes insipidus (PMID: 29991464). It has also been observed to segregate with disease in related individuals. ClinVar contains an entry for this variant (Variation ID: 2152356). Invitae Evidence Modeling of protein sequence and biophysical properties (such as structural, functional, and spatial information, amino acid conservation, physicochemical variation, residue mobility, and thermodynamic stability) indicates that this missense variant is expected to disrupt AVPR2 protein function with a positive predictive value of 80%. This variant disrupts the p.His80 amino acid residue in AVPR2. Other variant(s) that disrupt this residue have been observed in individuals with AVPR2-related conditions (PMID: 8045948), which suggests that this may be a clinically significant amino acid residue. For these reasons, this variant has been classified as Pathogenic.

Literature cited by the submitters: PubMed 29991464; PubMed 8045948.